The following is an entry in ClinVar:

NM_001330078.2(NRXN1):c.3364+1G>A

Gene: NRXN1 (neurexin 1; minus strand). Cytogenetic location: 2p16.3.
Variant type: single nucleotide variant.
Coding change: c.3364+1G>A on transcript NM_001330078.2 (MANE Select); the canonical splice donor site of the intron after coding-DNA position 3364, G replaced by A.
Molecular consequence: splice donor variant.
Genome position (GRCh38, 1-based): chr2:50,465,441, C>T on the plus strand (G>A on the coding strand, the complement: NRXN1 is on the minus strand). VCF-style: chr2-50465441-C-T. GRCh37 (hg19) VCF-style: chr2-50692579-C-T.
Other names: c.3253+1G>A (NM_001330096.2, NM_001330087.2); c.3298+1G>A (NM_001330083.2, NM_001330084.2); c.3283+1G>A (NM_001330088.2); c.3361+1G>A (NM_001330093.2); c.3352+1G>A (NM_001330094.2); c.3313+1G>A (NM_001330095.2); c.3340+1G>A (NM_001330082.2, NM_001330077.2); c.3337+1G>A (NM_001330085.2); and 2 more.
Identifiers: ClinVar variation 2168866 (VCV002168866.4), dbSNP rs1242147886, ClinGen allele CA346770066.

ClinVar aggregate classification (germline): Likely pathogenic (1 of 4 stars; one submission).

Conditions:
Pitt-Hopkins-like syndrome 2 (PTHSL2). Identifiers: Orphanet 221150, Orphanet 600663, MedGen C3280479, MONDO:0013690, OMIM 614325.

Allele frequency attached by ClinVar (database versions not stated): gnomAD exomes below 0.00001; 1000 Genomes Project 30x 0.00016.

Submission:

Labcorp Genetics (formerly Invitae), Labcorp
Classification: Likely pathogenic for Pitt-Hopkins-like syndrome 2. Last evaluated: 2024-06-30. Review status: criteria provided, single submitter. Criteria: Invitae Variant Classification Sherloc (09022015). Collection method: clinical testing. Allele origin: germline.
Comment: This sequence change affects a donor splice site in intron 18 of the NRXN1 gene. It is expected to disrupt RNA splicing. Variants that disrupt the donor or acceptor splice site typically lead to a loss of protein function (PMID: 16199547), and loss-of-function variants in NRXN1 are known to be pathogenic (PMID: 19896112, 21964664, 23495017, 23533028, 25149956, 30031152). This variant is not present in population databases (gnomAD no frequency). Disruption of this splice site has been observed in individual(s) with a neurodevelopmental disorder (PMID: 33004838). ClinVar contains an entry for this variant (Variation ID: 2168866). Algorithms developed to predict the effect of sequence changes on RNA splicing suggest that this variant may disrupt the consensus splice site. In summary, the currently available evidence indicates that the variant is pathogenic, but additional data are needed to prove that conclusively. Therefore, this variant has been classified as Likely Pathogenic.

Literature cited by the submitters: PubMed 16199547; PubMed 19896112; PubMed 21964664; PubMed 23495017; PubMed 23533028; PubMed 25149956; PubMed 30031152; PubMed 33004838.